The following is an entry in ClinVar:

NM_014141.6(CNTNAP2):c.3946C>T (p.Pro1316Ser)

Gene: CNTNAP2 (contactin associated protein 2; plus strand). Cytogenetic location: 7q36.1.
Variant type: single nucleotide variant.
Coding change: c.3946C>T on transcript NM_014141.6 (MANE Select); coding-DNA position 3946, C replaced by T.
Protein change: p.Pro1316Ser; replaces proline 1316 with serine.
Molecular consequence: missense variant.
Genome position (GRCh38, 1-based): chr7:148,415,566, C>T. VCF-style: chr7-148415566-C-T. GRCh37 (hg19) VCF-style: chr7-148112658-C-T.
Other names: short protein forms P1316S.
Identifiers: ClinVar variation 999764 (VCV000999764.9), dbSNP rs1799966058, ClinGen allele CA369706953.
Genomic context (GRCh38, chr7:148,415,566, plus strand): 5'-AACGAAGCAAAGGGGGCGGAGTCGGCAGAGAGCGCGGACGCCGCCATCATGAACAACGAC[C>T]CCAACTTCACAGAGACCATTGATGAAAGCAAAAAGGAATGGCTCATTTGAGGGGTGGCTA-3'
Protein context (NP_054860.1, residues 1306-1326): SADAAIMNND[Pro1316Ser]NFTETIDESK

ClinVar aggregate classification (germline): Uncertain significance (1 of 4 stars; one submission).

Conditions:
Cortical dysplasia-focal epilepsy syndrome (PTHSL1). Also called: Pitt-Hopkins-like syndrome 1. Identifiers: Orphanet 163681, Orphanet 221150, MedGen C2750246, MONDO:0012400, OMIM 610042.

Submission:

Labcorp Genetics (formerly Invitae), Labcorp
Classification: Uncertain significance for Cortical dysplasia-focal epilepsy syndrome. Last evaluated: 2020-10-09. Review status: criteria provided, single submitter. Criteria: Invitae Variant Classification Sherloc (09022015). Collection method: clinical testing. Allele origin: germline.
Comment: In summary, the available evidence is currently insufficient to determine the role of this variant in disease. Therefore, it has been classified as a Variant of Uncertain Significance. Algorithms developed to predict the effect of missense changes on protein structure and function (SIFT, PolyPhen-2, Align-GVGD) all suggest that this variant is likely to be tolerated, but these predictions have not been confirmed by published functional studies and their clinical significance is uncertain. This variant has not been reported in the literature in individuals with CNTNAP2-related conditions. This variant is not present in population databases (ExAC no frequency). This sequence change replaces proline with serine at codon 1316 of the CNTNAP2 protein (p.Pro1316Ser). The proline residue is highly conserved and there is a moderate physicochemical difference between proline and serine.